The following is an entry in ClinVar:

NM_005548.3(KARS1):c.1486T>C (p.Cys496Arg)

Genes: KARS1 (lysyl-tRNA synthetase 1; minus strand), LOC126862402 (CDK7 strongly-dependent group 2 enhancer GRCh37_chr16:75663368-75664567; plus strand). Cytogenetic location: 16q23.1.
Variant type: single nucleotide variant.
Coding change: c.1486T>C on transcript NM_005548.3 (MANE Select); coding-DNA position 1486, T replaced by C.
Protein change: p.Cys496Arg; replaces cysteine 496 with arginine.
Molecular consequence: missense variant.
Genome position (GRCh38, 1-based): chr16:75,629,480, A>G on the plus strand (T>C on the coding strand, the complement: KARS1 is on the minus strand). VCF-style: chr16-75629480-A-G. GRCh37 (hg19) VCF-style: chr16-75663378-A-G.
Other names: c.1570T>C, p.Cys524Arg (NM_001130089.2); c.1018T>C, p.Cys340Arg (NM_001378148.1); short protein forms C524R, C496R, C340R.
Identifiers: ClinVar variation 596471 (VCV000596471.8), dbSNP rs776736207, ClinGen allele CA8177215.

ClinVar aggregate classification (germline): Conflicting classifications of pathogenicity. Review status: criteria provided, conflicting classifications (1 of 4 stars). 2 submissions from 2 submitters: Likely pathogenic (1); Uncertain significance (1). Last evaluated 2023-03-16.

Allele frequency attached by ClinVar (database versions not stated): ExAC 0.00001; TOPMed 0.00002.
gnomAD v4.1: 47 of 1,614,094 alleles (0.0029%); highest among the groups gnomAD compares: Non-Finnish European, 0.0038%; no homozygotes.

Submissions (2):

Labcorp Genetics (formerly Invitae), Labcorp
Classification: Likely pathogenic. Last evaluated: 2023-03-16. Review status: criteria provided, single submitter. Criteria: Invitae Variant Classification Sherloc (09022015). Collection method: clinical testing. Allele origin: germline.
Comment: This sequence change replaces cysteine, which is neutral and slightly polar, with arginine, which is basic and polar, at codon 524 of the KARS protein (p.Cys524Arg). In summary, the currently available evidence indicates that the variant is pathogenic, but additional data are needed to prove that conclusively. Therefore, this variant has been classified as Likely Pathogenic. Advanced modeling of protein sequence and biophysical properties (such as structural, functional, and spatial information, amino acid conservation, physicochemical variation, residue mobility, and thermodynamic stability) performed at Invitae indicates that this missense variant is expected to disrupt KARS protein function. ClinVar contains an entry for this variant (Variation ID: 596471). This missense change has been observed in individuals with deafness and/or mitochondrial encephalohepatopathy (PMID: 33105617, 33478492, 35106950). It has also been observed to segregate with disease in related individuals. This variant is present in population databases (rs776736207, gnomAD 0.007%).

Eurofins Ntd Llc (ga)
Classification: Uncertain significance. Last evaluated: 2018-04-04. Review status: criteria provided, single submitter. Criteria: EGL ClinVar v180209 classification definitions. Collection method: clinical testing. Allele origin: germline. Observed: 1 variant allele, 1 heterozygote.

Literature cited by the submitters: PubMed 33105617 (cited by Labcorp Genetics (formerly Invitae), Labcorp); PubMed 33478492 (cited by Labcorp Genetics (formerly Invitae), Labcorp); PubMed 35106950 (cited by Labcorp Genetics (formerly Invitae), Labcorp).